The following is an entry in ClinVar:

NM_004493.3(HSD17B10):c.58T>G (p.Ser20Ala)

Gene: HSD17B10 (hydroxysteroid 17-beta dehydrogenase 10; minus strand). Cytogenetic location: Xp11.22.
Variant type: single nucleotide variant.
Coding change: c.58T>G on transcript NM_004493.3 (MANE Select); coding-DNA position 58, T replaced by G.
Protein change: p.Ser20Ala; replaces serine 20 with alanine.
Molecular consequence: missense variant.
Genome position (GRCh38, 1-based): chrX:53,433,856, A>C on the plus strand (T>G on the coding strand, the complement: HSD17B10 is on the minus strand). VCF-style: chrX-53433856-A-C. GRCh37 (hg19) VCF-style: chrX-53460803-A-C.
Other names: c.58T>G, p.Ser20Ala (NM_001037811.2); short protein forms S20A.
Identifiers: ClinVar variation 2502062 (VCV002502062.1), dbSNP rs782197997, ClinGen allele CA10421047.

ClinVar aggregate classification (germline): Uncertain significance (1 of 4 stars; one submission).

Allele frequency attached by ClinVar (database versions not stated): gnomAD exomes below 0.00001; ExAC 0.00001; TOPMed 0.00002.

Submission:

GeneDx
Classification: Uncertain significance. Last evaluated: 2022-11-12. Review status: criteria provided, single submitter. Criteria: GeneDx Variant Classification Process June 2021. Collection method: clinical testing. Allele origin: germline. Affected: yes.
Comment: Not observed at significant frequency in large population cohorts (gnomAD); In silico analysis supports that this missense variant has a deleterious effect on protein structure/function; Has not been previously published as pathogenic or benign to our knowledge